The following is an entry in ClinVar:

NM_000092.5(COL4A4):c.861_864delinsGT (p.Gly288fs)

Gene: COL4A4 (collagen type IV alpha 4 chain; minus strand). Cytogenetic location: 2q36.3.
Variant type: Indel.
Coding change: c.861_864delinsGT on transcript NM_000092.5 (MANE Select); coding-DNA positions 861 to 864, AGGA replaced by GT.
Protein change: p.Gly288fs; shifts the reading frame from glycine 288.
Molecular consequence: frameshift variant.
Genome position (GRCh38, 1-based): chr2:227,103,150-227,103,153, TCCT replaced by AC on the plus strand (AGGA replaced by GT on the coding strand, the reverse complement: COL4A4 is on the minus strand). VCF-style: chr2-227103150-TCCT-AC. GRCh37 (hg19) VCF-style: chr2-227967866-TCCT-AC.
Other names: short protein forms G288fs.
Identifiers: ClinVar variation 4535431 (VCV004535431.7).

ClinVar aggregate classification (germline): Pathogenic. Review status: criteria provided, multiple submitters, no conflicts (2 of 4 stars). 2 submissions from 2 submitters: Pathogenic (2). Last evaluated 2025-11-05.

Conditions:
Alport syndrome. Also called: Hemorrhagic familial nephritis; Hemorrhagic hereditary nephritis; Congenital hereditary hematuria. Identifiers: Orphanet 63, MedGen C1567741, MONDO:0018965.

Submissions (2):

Myriad Genetics, Inc.
Classification: Pathogenic for Alport syndrome. Last evaluated: 2025-11-05. Review status: criteria provided, single submitter. Criteria: Myriad Autosomal Dominant, Autosomal Recessive and X-Linked Classification Criteria (2023). Collection method: clinical testing. Allele origin: unknown.
Comment: NM_000092.4(COL4A4):c.861_864delAGGAinsGT(G288Sfs*141) is a frameshift variant classified as pathogenic in the context of Alport syndrome, COL4A4-related. G288Sfs*141 has not been observed in cases with relevant disease. Relevant functional assessments of this variant are not available in the literature. G288Sfs*141 has not been observed in referenced population frequency databases. In summary, NM_000092.4(COL4A4):c.861_864delAGGAinsGT(G288Sfs*141) is a frameshift variant in a gene where loss of function is a known mechanism of disease and is predicted to disrupt protein function. Please note: this variant was assessed in the context of healthy population screening.

CeGaT Center for Human Genetics Tuebingen
Classification: Pathogenic. Last evaluated: 2025-10-01. Review status: criteria provided, single submitter. Criteria: CeGaT Center For Human Genetics Tuebingen Variant Classification Criteria Version 2. Collection method: clinical testing. Allele origin: germline. Affected: yes. Observed: 1 variant allele.
Comment: COL4A4: PVS1, PM2